The following is an entry in ClinVar:

ClinVar aggregate classification (germline): Pathogenic/Likely pathogenic. Review status: criteria provided, multiple submitters, no conflicts (2 of 4 stars). 2 submissions from 2 submitters: Pathogenic (1); Likely pathogenic (1). Last evaluated 2025-11-25.

Conditions:
Arrhythmogenic right ventricular dysplasia 9 (ARVD9). Also called: ARRHYTHMOGENIC RIGHT VENTRICULAR DYSPLASIA, FAMILIAL, 9; Arrhythmogenic Right Ventricular Dysplasia/Cardiomyopathy 9. Identifiers: MedGen C1836906, MONDO:0012180, OMIM 609040.
Long QT syndrome 1 (LQT1). Identifiers: Orphanet 101016, Orphanet 768, MedGen C4551647, MONDO:0100316, OMIM 192500, MONDO:0008646.

Submissions (2):

Labcorp Genetics (formerly Invitae), Labcorp
Classification: Pathogenic for Arrhythmogenic right ventricular dysplasia 9. Last evaluated: 2025-11-25. Review status: criteria provided, single submitter. Criteria: Invitae Variant Classification Sherloc (09022015). Collection method: clinical testing. Allele origin: germline.
Comment: This sequence change creates a premature translational stop signal (p.Asn815Glufs*11) in the PKP2 gene. It is expected to result in an absent or disrupted protein product. Loss-of-function variants in PKP2 are known to be pathogenic (PMID: 15489853, 17041889, 23911551). Information on the frequency of this variant in the gnomAD database is not available, as this variant may be reported differently in the database. This variant has not been reported in the literature in individuals affected with PKP2-related conditions. Algorithms developed to predict the effect of sequence changes on RNA splicing suggest that this variant may disrupt the consensus splice site. For these reasons, this variant has been classified as Pathogenic.

Women's Health and Genetics/Laboratory Corporation of America, LabCorp
Classification: Likely pathogenic for Long QT syndrome 1. Last evaluated: 2016-06-29. Review status: criteria provided, single submitter. Criteria: LabCorp Variant Classification Summary - May 2015. Collection method: clinical testing. Allele origin: germline.

Literature cited by the submitters: PubMed 15489853 (cited by Labcorp Genetics (formerly Invitae), Labcorp); PubMed 17041889 (cited by Labcorp Genetics (formerly Invitae), Labcorp); PubMed 23911551 (cited by Labcorp Genetics (formerly Invitae), Labcorp); PubMed 23168288 (cited by Women's Health and Genetics/Laboratory Corporation of America, LabCorp); PubMed 24070718 (cited by Women's Health and Genetics/Laboratory Corporation of America, LabCorp); PubMed 20152563 (cited by Women's Health and Genetics/Laboratory Corporation of America, LabCorp).

NM_001005242.3(PKP2):c.2311_2316delinsGAAA (p.Asn771fs)

Gene: PKP2 (plakophilin 2; minus strand). Cytogenetic location: 12p11.21.
Variant type: Indel.
Coding change: c.2311_2316delinsGAAA on transcript NM_001005242.3 (MANE Select); coding-DNA positions 2311 to 2316, AACACC replaced by GAAA.
Protein change: p.Asn771fs; shifts the reading frame from asparagine 771.
Molecular consequence: frameshift variant.
Genome position (GRCh38, 1-based): chr12:32,796,150-32,796,155, GGTGTT replaced by TTTC on the plus strand (AACACC replaced by GAAA on the coding strand, the reverse complement: PKP2 is on the minus strand). VCF-style: chr12-32796150-GGTGTT-TTTC. GRCh37 (hg19) VCF-style: chr12-32949084-GGTGTT-TTTC.
Other names: short protein forms N771fs.
Identifiers: ClinVar variation 188663 (VCV000188663.2), dbSNP rs786204395, ClinGen allele CA012023.